The following is an entry in ClinVar:

NM_025114.4(CEP290):c.1081G>T (p.Asp361Tyr)

Gene: CEP290 (centrosomal protein 290; minus strand). Cytogenetic location: 12q21.32.
Variant type: single nucleotide variant.
Coding change: c.1081G>T on transcript NM_025114.4 (MANE Select); coding-DNA position 1081, G replaced by T.
Protein change: p.Asp361Tyr; replaces aspartic acid 361 with tyrosine.
Molecular consequence: missense variant.
Genome position (GRCh38, 1-based): chr12:88,125,354, C>A on the plus strand (G>T on the coding strand, the complement: CEP290 is on the minus strand). VCF-style: chr12-88125354-C-A. GRCh37 (hg19) VCF-style: chr12-88519131-C-A.
Other names: short protein forms D361Y.
Identifiers: ClinVar variation 2631898 (VCV002631898.2), dbSNP rs999155745, ClinGen allele CA241154786.

ClinVar aggregate classification (germline): Uncertain significance. Review status: criteria provided, multiple submitters, no conflicts (2 of 4 stars). 2 submissions from 2 submitters: Uncertain significance (2). Last evaluated 2024-02-22.

Conditions:
CEP290-related disorder. Also called: CEP290-related disorders; CEP290-related condition. Identifiers: MedGen CN239314.

Submissions (2):

Blueprint Genetics
Classification: Uncertain significance. Last evaluated: 2024-02-22. Review status: criteria provided, single submitter. Criteria: ACMG Guidelines, 2015. Collection method: clinical testing. Allele origin: germline.

PreventionGenetics, part of Exact Sciences
Classification: Uncertain significance for CEP290-related condition. Last evaluated: 2023-07-31. Review status: criteria provided, single submitter. Criteria: ACMG Guidelines, 2015. Collection method: clinical testing. Allele origin: germline.
Comment: The CEP290 c.1081G>T variant is predicted to result in the amino acid substitution p.Asp361Tyr. To our knowledge, this variant has not been reported in the literature. This variant is reported in 0.0020% of alleles in individuals of European (Non-Finnish) descent in gnomAD. At this time, the clinical significance of this variant is uncertain due to the absence of conclusive functional and genetic evidence.